The following is an entry in ClinVar:

ClinVar aggregate classification (germline): Benign/Likely benign. Review status: criteria provided, multiple submitters, no conflicts (2 of 4 stars). 21 submissions from 19 submitters: Benign (10); Likely benign (2). 9 of the submissions do not count toward it. Last evaluated 2026-02-03.

Conditions:
Spongiform encephalopathy with neuropsychiatric features. Identifiers: MedGen C1847650, MONDO:0011703, OMIM 606688.
Kuru, susceptibility to. Identifiers: Orphanet 454745, MedGen C1855588, MONDO:0009500, OMIM 245300.
Fatal familial insomnia (FFI). Also called: Fatal Familial Insomnia (FFI). Identifiers: Orphanet 466, MedGen C0206042, MONDO:0010808, OMIM 600072.
Gerstmann-Straussler-Scheinker syndrome (GSD). Also called: GERSTMANN-STRAUSSLER DISEASE; PRION DEMENTIA; Spongiform encephalopathy; Cerebellar ataxia, progressive dementia, and amyloid deposits in the central nervous system; Encephalopathy subacute spongiform Gerstmann-Straussler type; Spinocerebellar ataxia and plaque-like deposits. Identifiers: Orphanet 356, MedGen C0017495, MONDO:0007656, OMIM 137440.
Huntington disease-like 1 (HDL1). Also called: PRION DISEASE, EARLY-ONSET, WITH PROMINENT PSYCHIATRIC FEATURES; HUNTINGTON-LIKE NEURODEGENERATIVE DISORDER 1; HUNTINGTON-LIKE NEURODEGENERATIVE DISORDER, AUTOSOMAL DOMINANT. Identifiers: Orphanet 157941, MedGen C1864112, MONDO:0011299, OMIM 603218.
Inherited Creutzfeldt-Jakob disease. Also called: Creutzfeldt-Jakob Disease, Familial; Genetic Creutzfeldt-Jakob Disease (Genetic CJD). Identifiers: Orphanet 204, Orphanet 282166, Orphanet 454700, MedGen C0751254, MONDO:0007403, OMIM 123400.
Inherited prion disease. Identifiers: Orphanet 280400, MedGen C5679775, MONDO:0017234.
Autism spectrum disorder. Also called: Autism spectrum disorders. Identifiers: MedGen C1510586, MeSH D000067877, MONDO:0005258.
Aphasia, primary progressive, susceptibility to.
Prion disease, susceptibility to.
Alzheimer disease, early-onset, susceptibility to.

Allele frequency attached by ClinVar (database versions not stated): gnomAD exomes 0.32843 and 0.30909; gnomAD 0.32909 and 0.33516; TOPMed 0.33610; 1000 Genomes Project 0.26657; 1000 Genomes Project 30x 0.27295; ExAC 0.30778.

Submissions (21):

Labcorp Genetics (formerly Invitae), Labcorp
Classification: Benign for Huntington disease-like 1. Last evaluated: 2026-02-03. Review status: criteria provided, single submitter. Criteria: Invitae Variant Classification Sherloc (09022015). Collection method: clinical testing. Allele origin: germline.

ARUP Laboratories, Molecular Genetics and Genomics, ARUP Laboratories
Classification: Benign. Last evaluated: 2025-07-30. Review status: criteria provided, single submitter. Criteria: ARUP Molecular Germline Variant Investigation Process 2024. Collection method: clinical testing. Allele origin: germline.

Laboratory of Genetics, Children's Clinical University Hospital Latvia
Classification: Benign. Last evaluated: 2025-02-16. Review status: criteria provided, single submitter. Criteria: ACMG Guidelines, 2015. Collection method: clinical testing. Allele origin: germline. Affected: yes.

Blueprint Genetics
Classification: Benign. Last evaluated: 2024-11-28. Review status: criteria provided, single submitter. Criteria: ACMG Guidelines, 2015. Collection method: clinical testing. Allele origin: germline.

Fulgent Genetics
Classification: Benign for Inherited Creutzfeldt-Jakob disease; Gerstmann-Straussler-Scheinker syndrome; Kuru, susceptibility to; Fatal familial insomnia; Huntington disease-like 1; Spongiform encephalopathy with neuropsychiatric features. Last evaluated: 2021-07-22. Review status: criteria provided, single submitter. Criteria: ACMG Guidelines, 2015. Collection method: clinical testing. Allele origin: unknown.

Mendelics
Classification: Benign for Huntington disease-like 1. Last evaluated: 2019-05-28. Review status: criteria provided, single submitter. Criteria: Mendelics Assertion Criteria 2017. Collection method: clinical testing. Allele origin: unknown.

Institute of Human Genetics, University of Leipzig Medical Center
Classification: Likely benign for Inherited Creutzfeldt-Jakob disease. Last evaluated: 2019-01-01. Review status: criteria provided, single submitter. Criteria: ACMG Guidelines, 2015. Collection method: clinical testing. Allele origin: unknown. Affected: yes.

GeneDx
Classification: Benign. Last evaluated: 2018-10-03. Review status: criteria provided, single submitter. Criteria: GeneDx Variant Classification Process June 2021. Collection method: clinical testing. Allele origin: germline. Affected: yes.
Comment: This variant is associated with the following publications: (PMID: 23399523, 20711061, 12601712, 10360778, 10079068, 23405858, 22669942, 23209282, 24249784, 16897605, 11684342, 22912570, 12660994, 2783132, 26061765, 27910931, 30917570, 31182772, 24340298, 30817871, 19081515, 24620982, 32949544, 8105681)

Mayo Clinic Laboratories, Mayo Clinic
Classification: Benign. Last evaluated: 2017-08-21. Review status: criteria provided, single submitter. Criteria: ACMG Guidelines, 2015. Collection method: clinical testing. Allele origin: germline. Observed: 1,278 variant alleles.

Illumina Laboratory Services, Illumina
Classification: Benign for Genetic prion diseases. Last evaluated: 2017-04-27. Review status: criteria provided, single submitter. Criteria: ICSL Variant Classification Criteria 13 December 2019. Collection method: clinical testing. Allele origin: germline.
Comment: This variant was observed as part of a predisposition screen in an ostensibly healthy population. A literature search was performed for the gene, cDNA change, and amino acid change (where applicable). Publications were found based on this search. The evidence from the literature, in combination with allele frequency data from public databases where available, was sufficient to rule this variant out of causing disease. Therefore, this variant is classified as benign.

Breakthrough Genomics
Classification: Likely benign. Review status: criteria provided, single submitter. Criteria: ACMG Guidelines, 2015. Collection method: not provided. Allele origin: germline. Inheritance: Autosomal dominant inheritance. Affected: yes.

Institute of Human Genetics, University Hospital of Duesseldorf
Classification: Benign for Fatal familial insomnia. Review status: criteria provided, single submitter. Criteria: ACMG Guidelines, 2015. Collection method: not provided. Allele origin: germline. Inheritance: Autosomal dominant inheritance. Affected: yes.

Gene Friend Way, National Innovation Center
Classification: Uncertain significance for Autism spectrum disorder. Last evaluated: 2023-07-28. Review status: no assertion criteria provided. Collection method: clinical testing. Allele origin: unknown. Affected: yes. Observed: 22 variant alleles. Not counted in ClinVar's aggregate classification.
Comment: Results in an increased risk of prion disease and long term memory issues (PMID 1677164, PMID 15987701). This gene encodes a protein that is active in the brain and other tissues. In our study, about 10% of patients diagnosed with Autism Spectrum Disorder carry this variant. However, due to high frequency of the variant in the Vietnamese population, the pathogenicity of this variant is uncertain.

OMIM
Classification: risk factor for PRION DISEASE, SUSCEPTIBILITY TO. Last evaluated: 2009-11-19. Review status: no assertion criteria provided. Collection method: literature only. Allele origin: germline. Not counted in ClinVar's aggregate classification.

OMIM
Classification: risk factor for ALZHEIMER DISEASE, EARLY-ONSET, SUSCEPTIBILITY TO. Last evaluated: 2009-11-19. Review status: no assertion criteria provided. Collection method: literature only. Allele origin: germline. Not counted in ClinVar's aggregate classification.

OMIM
Classification: risk factor for APHASIA, PRIMARY PROGRESSIVE, SUSCEPTIBILITY TO. Last evaluated: 2009-11-19. Review status: no assertion criteria provided. Collection method: literature only. Allele origin: germline. Not counted in ClinVar's aggregate classification.

Clinical Genetics DNA and cytogenetics Diagnostics Lab, Erasmus MC, Erasmus Medical Center
Classification: Benign. Review status: no assertion criteria provided. Collection method: clinical testing. Allele origin: germline. Affected: yes. Study: VKGL Data-share Consensus. Not counted in ClinVar's aggregate classification.

Clinical Genetics, Academic Medical Center
Classification: Benign. Review status: no assertion criteria provided. Collection method: clinical testing. Allele origin: germline. Affected: yes. Study: VKGL Data-share Consensus. Not counted in ClinVar's aggregate classification.

Diagnostic Laboratory, Department of Genetics, University Medical Center Groningen
Classification: Benign. Review status: no assertion criteria provided. Collection method: clinical testing. Allele origin: germline. Affected: yes. Study: VKGL Data-share Consensus. Not counted in ClinVar's aggregate classification.

Genetic Services Laboratory, University of Chicago
Classification: Likely benign for AllHighlyPenetrant. Review status: no assertion criteria provided. Collection method: clinical testing. Allele origin: germline. Not counted in ClinVar's aggregate classification.
Comment: Likely benign based on allele frequency in 1000 Genomes Project or ESP global frequency and its presence in a patient with a rare or unrelated disease phenotype. NOT Sanger confirmed.

Genome Diagnostics Laboratory, Amsterdam University Medical Center
Classification: Benign. Review status: no assertion criteria provided. Collection method: clinical testing. Allele origin: germline. Affected: yes. Study: VKGL Data-share Consensus. Not counted in ClinVar's aggregate classification.

Literature cited by the submitters: PubMed 10581230 (cited by Illumina Laboratory Services, Illumina); PubMed 2783132 (cited by Illumina Laboratory Services, Illumina and OMIM); PubMed 18955686 (cited by Illumina Laboratory Services, Illumina); PubMed 1971924 (cited by OMIM); PubMed 2378641 (cited by OMIM); PubMed 1684089 (cited by OMIM); PubMed 1677164 (cited by OMIM); PubMed 1682813 (cited by OMIM); PubMed 12601712 (cited by OMIM); PubMed 1353341 (cited by OMIM); PubMed 7908444 (cited by OMIM); PubMed 8137139 (cited by OMIM); PubMed 10437852 (cited by OMIM); PubMed 9789072 (cited by OMIM); PubMed 9643750 (cited by OMIM); PubMed 9751723 (cited by OMIM); PubMed 11506411 (cited by OMIM); PubMed 11506406 (cited by OMIM); PubMed 11840201 (cited by OMIM); PubMed 11749972 (cited by OMIM); PubMed 12867116 (cited by OMIM); PubMed 14970845 (cited by OMIM); PubMed 15539564 (cited by OMIM); PubMed 16217673 (cited by OMIM); PubMed 15987701 (cited by OMIM); PubMed 16565881 (cited by OMIM); PubMed 16391566 (cited by OMIM); PubMed 19923577 (cited by OMIM); PubMed 9748018 (cited by OMIM); PubMed 12891686 (cited by OMIM); PubMed 14562104 (cited by OMIM); PubMed 15277640 (cited by OMIM); PubMed 10953203 (cited by OMIM); PubMed 11488277 (cited by OMIM); PubMed 14520676 (cited by OMIM); PubMed 16315279 (cited by OMIM); PubMed 16969862 (cited by OMIM).

NM_000311.5(PRNP):c.385A>G (p.Met129Val)

Gene: PRNP (prion protein (Kanno blood group); plus strand). Cytogenetic location: 20p13.
Variant type: single nucleotide variant.
Coding change: c.385A>G on transcript NM_000311.5 (MANE Select); coding-DNA position 385, A replaced by G.
Protein change: p.Met129Val; replaces methionine 129 with valine.
Molecular consequence: missense variant. On other transcripts: 3 prime UTR variant (1).
Genome position (GRCh38, 1-based): chr20:4,699,605, A>G. VCF-style: chr20-4699605-A-G. GRCh37 (hg19) VCF-style: chr20-4680251-A-G.
Other names: c.385A>G, p.Met129Val (NM_001080121.3, NM_001080122.3, NM_001080123.3 and 1 more transcripts); c.*74A>G (NM_001271561.3); short protein forms M129V.
Identifiers: ClinVar variation 13397 (VCV000013397.83), dbSNP rs1799990, ClinGen allele CA123088.